The following is an entry in ClinVar:

ClinVar aggregate classification (germline): Pathogenic (1 of 4 stars; one submission).

Conditions:
Leber congenital amaurosis 2 (LCA2). Also called: Autosomal Recessive RPE65-Related Retinal Degeneration; AMAUROSIS CONGENITA OF LEBER II. Identifiers: Orphanet 65, MedGen C1859844, MONDO:0008765, OMIM 204100. Disease mechanism: loss of function.
Retinitis pigmentosa 20 (RP20). Identifiers: Orphanet 791, MedGen C3151086, MONDO:0013425, OMIM 613794.

Allele frequency attached by ClinVar (database versions not stated): gnomAD 0.00001.
gnomAD v4.1: 1 of 1,613,820 alleles (0.000062%); highest among the groups gnomAD compares: Non-Finnish European, 0.000085%; no homozygotes.

Submission:

Labcorp Genetics (formerly Invitae), Labcorp
Classification: Pathogenic for Leber congenital amaurosis 2; Retinitis pigmentosa 20. Last evaluated: 2022-04-12. Review status: criteria provided, single submitter. Criteria: Invitae Variant Classification Sherloc (09022015). Collection method: clinical testing. Allele origin: germline.
Comment: This sequence change creates a premature translational stop signal (p.Tyr423*) in the RPE65 gene. It is expected to result in an absent or disrupted protein product. Loss-of-function variants in RPE65 are known to be pathogenic (PMID: 9326941, 9501220, 9843205, 18632300). This variant is present in population databases (no rsID available, gnomAD 0.007%). This variant has not been reported in the literature in individuals affected with RPE65-related conditions. Algorithms developed to predict the effect of sequence changes on RNA splicing suggest that this variant may disrupt the consensus splice site. For these reasons, this variant has been classified as Pathogenic.

Literature cited by the submitters: PubMed 9326941; PubMed 9501220; PubMed 9843205; PubMed 18632300.

NM_000329.3(RPE65):c.1269C>A (p.Tyr423Ter)

Gene: RPE65 (retinoid isomerohydrolase RPE65; minus strand). Cytogenetic location: 1p31.3.
Variant type: single nucleotide variant.
Coding change: c.1269C>A on transcript NM_000329.3 (MANE Select); coding-DNA position 1269, C replaced by A.
Protein change: p.Tyr423Ter; replaces tyrosine 423 with a stop codon.
Molecular consequence: nonsense.
Genome position (GRCh38, 1-based): chr1:68,431,351, G>T on the plus strand (C>A on the coding strand, the complement: RPE65 is on the minus strand). VCF-style: chr1-68431351-G-T. GRCh37 (hg19) VCF-style: chr1-68897034-G-T.
Other names: c.1161C>A, p.Tyr387Ter (NM_001406853.1); c.993C>A, p.Tyr331Ter (NM_001406856.1, NM_001406857.1); short protein forms Y423*, Y387*, Y331*.
Identifiers: ClinVar variation 2120805 (VCV002120805.4), dbSNP rs1355323529, ClinGen allele CA340742621.